The following is an entry in ClinVar:

NM_001009944.3(PKD1):c.10221-14C>T

Gene: PKD1 (polycystin 1, transient receptor potential channel interacting; minus strand). Cytogenetic location: 16p13.3.
Variant type: single nucleotide variant.
Coding change: c.10221-14C>T on transcript NM_001009944.3 (MANE Select); 14 bases into the intron before coding-DNA position 10221, C replaced by T.
Molecular consequence: intron variant.
Genome position (GRCh38, 1-based): chr16:2,097,517, G>A on the plus strand (C>T on the coding strand, the complement: PKD1 is on the minus strand). VCF-style: chr16-2097517-G-A. GRCh37 (hg19) VCF-style: chr16-2147518-G-A.
Other names: c.10221-14C>T (NM_001009944.2); c.10218-14C>T (NM_000296.4).
Identifiers: ClinVar variation 1328000 (VCV001328000.5), dbSNP rs201207354, ClinGen allele CA7829700.

ClinVar aggregate classification (germline): Likely benign. Review status: criteria provided, multiple submitters, no conflicts (2 of 4 stars). 6 submissions from 6 submitters: Likely benign (4). 2 of the submissions do not count toward it. Last evaluated 2026-01-05.

Conditions:
Polycystic kidney disease, adult type (PKD1). Also called: Polycystic Kidney Disease 1, Autosomal Dominant; Polycystic kidney disease 1; Polycystic kidney disease 1, severe; Polycystic Kidney, Autosomal Dominant; POLYCYSTIC KIDNEY DISEASE 1 WITH OR WITHOUT POLYCYSTIC LIVER DISEASE; POLYCYSTIC KIDNEY DISEASE, ADULT, TYPE I. Identifiers: MedGen C3149841, MONDO:0008263, OMIM 173900.

Allele frequency attached by ClinVar (database versions not stated): ESP Exome Variant Server 0.00008; gnomAD 0.00029 and 0.00030; ExAC 0.00031; TOPMed 0.00031; 1000 Genomes Project 30x 0.00078; 1000 Genomes Project 0.00080.
gnomAD v4.1: 413 of 1,601,410 alleles (0.026%); highest among the groups gnomAD compares: African/African-American, 0.036%; 1 homozygote.

Submissions (6):

Women's Health and Genetics/Laboratory Corporation of America, LabCorp
Classification: Likely benign. Last evaluated: 2026-01-05. Review status: criteria provided, single submitter. Criteria: LabCorp Variant Classification Summary - May 2015. Collection method: clinical testing. Allele origin: germline.
Comment: Variant summary: PKD1 c.10221-14C>T alters a nucleotide located at a position not widely known to affect splicing. Consensus agreement among computation tools predict no significant impact on normal splicing. However, these predictions have yet to be confirmed by functional studies. The variant allele was found at a frequency of 0.00028 in 234814 control chromosomes (gnomAD). This frequency is not significantly higher than estimated for disease-causing variants in PKD1, allowing no conclusion about variant significance. To our knowledge, no occurrence of c.10221-14C>T in individuals affected with PKD1-related conditions and no experimental evidence demonstrating its impact on protein function have been reported. ClinVar contains an entry for this variant (Variation ID: 1328000). Based on the evidence outlined above, the variant was classified as likely benign.

Blueprint Genetics
Classification: Likely benign. Last evaluated: 2024-06-12. Review status: criteria provided, single submitter. Criteria: ACMG Guidelines, 2015. Collection method: clinical testing. Allele origin: germline.

Department of Pathology and Laboratory Medicine, Sinai Health System
Classification: Likely benign for Polycystic kidney disease, adult type. Last evaluated: 2023-01-23. Review status: criteria provided, single submitter. Criteria: ACMG Guidelines, 2015. Collection method: clinical testing. Allele origin: germline. Affected: yes.

Fulgent Genetics
Classification: Likely benign for Polycystic kidney disease, adult type. Last evaluated: 2022-01-18. Review status: criteria provided, single submitter. Criteria: ACMG Guidelines, 2015. Collection method: clinical testing. Allele origin: unknown.

Genome Diagnostics Laboratory, University Medical Center Utrecht
Classification: Likely benign. Review status: no assertion criteria provided. Collection method: clinical testing. Allele origin: germline. Affected: yes. Study: VKGL Data-share Consensus. Not counted in ClinVar's aggregate classification.

Laboratory of Diagnostic Genome Analysis, Leiden University Medical Center (LUMC)
Classification: Likely benign. Review status: no assertion criteria provided. Collection method: clinical testing. Allele origin: germline. Affected: yes. Study: VKGL Data-share Consensus. Not counted in ClinVar's aggregate classification.

Literature cited by the submitters: PubMed 18837007 (cited by Department of Pathology and Laboratory Medicine, Sinai Health System).